The following is an entry in ClinVar:

NM_144670.6(A2ML1):c.3623C>G (p.Pro1208Arg)

Gene: A2ML1 (alpha-2-macroglobulin like 1; plus strand). Cytogenetic location: 12p13.31.
Variant type: single nucleotide variant.
Coding change: c.3623C>G on transcript NM_144670.6 (MANE Select); coding-DNA position 3623, C replaced by G.
Protein change: p.Pro1208Arg; replaces proline 1208 with arginine.
Molecular consequence: missense variant.
Genome position (GRCh38, 1-based): chr12:8,863,914, C>G. VCF-style: chr12-8863914-C-G. GRCh37 (hg19) VCF-style: chr12-9016510-C-G.
Other names: c.2150C>G, p.Pro717Arg (NM_001282424.3); short protein forms P1208R, P717R.
Identifiers: ClinVar variation 2977043 (VCV002977043.3), dbSNP rs747543554, ClinGen allele CA6436432.

ClinVar aggregate classification (germline): Uncertain significance (1 of 4 stars; one submission).

Allele frequency attached by ClinVar (database versions not stated): gnomAD exomes 0.00001; ExAC 0.00002.
gnomAD v4.1: 11 of 1,614,146 alleles (0.00068%); highest among the groups gnomAD compares: South Asian, 0.012%; no homozygotes.

Submission:

Labcorp Genetics (formerly Invitae), Labcorp
Classification: Uncertain significance. Last evaluated: 2023-09-06. Review status: criteria provided, single submitter. Criteria: Invitae Variant Classification Sherloc (09022015). Collection method: clinical testing. Allele origin: germline.
Comment: In summary, the available evidence is currently insufficient to determine the role of this variant in disease. Therefore, it has been classified as a Variant of Uncertain Significance. An algorithm developed to predict the effect of missense changes on protein structure and function (PolyPhen-2) suggests that this variant is likely to be tolerated. This variant has not been reported in the literature in individuals affected with A2ML1-related conditions. This variant is present in population databases (rs747543554, gnomAD 0.02%). This sequence change replaces proline, which is neutral and non-polar, with arginine, which is basic and polar, at codon 1208 of the A2ML1 protein (p.Pro1208Arg).